The following is an entry in ClinVar:

NM_000133.4(F9):c.1290C>A (p.Ser430Arg)

Gene: F9 (coagulation factor IX; plus strand). Cytogenetic location: Xq27.1.
Variant type: single nucleotide variant.
Coding change: c.1290C>A on transcript NM_000133.4 (MANE Select); coding-DNA position 1290, C replaced by A.
Protein change: p.Ser430Arg; replaces serine 430 with arginine.
Molecular consequence: missense variant.
Genome position (GRCh38, 1-based): chrX:139,561,975, C>A. VCF-style: chrX-139561975-C-A. GRCh37 (hg19) VCF-style: chrX-138644134-C-A.
Other names: c.1176C>A, p.Ser392Arg (NM_001313913.2); short protein forms S392R, S430R.
Identifiers: ClinVar variation 812043 (VCV000812043.8), dbSNP rs762229532, ClinGen allele CA414447122.

ClinVar aggregate classification (germline): Likely pathogenic (1 of 4 stars; one submission).

Allele frequency attached by ClinVar (database versions not stated): TOPMed 0.00001.

Submission:

ARUP Laboratories, Molecular Genetics and Genomics, ARUP Laboratories
Classification: Likely pathogenic. Last evaluated: 2019-05-20. Review status: criteria provided, single submitter. Criteria: ARUP Molecular Germline Variant Investigation Process. Collection method: clinical testing. Allele origin: germline.
Comment: The F9 c.1290C>A; p.Ser430Arg variant, also known as 31273C>G; S384R, is reported in the Factor IX variant database in one individual with hemophilia B (see link). Additionally, other variants at this codon (Thr, Ile, Cys, Asn) are reported in individuals with Hemophilia B (Factor IX variant database, Giannelli 1994, Hamasaki-Katagiri 2012, Montejo 1999, Wulff 1999). The p.Ser430Arg variant is absent from the general population databases (1000 Genomes Project, Exome Variant Server, Genome Aggregation Database), indicating it is not a common polymorphism. The serine at codon 430 is highly conserved, and computational algorithms (SIFT, PolyPhen2) predict that this variant is deleterious. Based on available information, the p.Ser430Arg variant is considered to be likely pathogenic. References: Factor IX variant database link: Giannelli F et al. Haemophilia B: database of point mutations and short additions and deletions, fifth edition, 1994. Nucleic Acids Res. 1994 Sep;22(17):3534-46. Hamasaki-Katagiri N et al. Analysis of F9 point mutations and their correlation to severity of haemophilia B disease. Haemophilia. 2012 Nov;18(6):933-40. Montejo JM et al. Identification of twenty-one new mutations in the factor IX gene by SSCP analysis. Hum Mutat. 1999;13(2):160-5. Wulff K et al. Molecular analysis of hemophilia B in Poland: 12 novel mutations of the factor IX gene. Acta Biochim Pol. 1999;46(3):721-6.